The following is an entry in ClinVar:

ClinVar aggregate classification (germline): Likely benign (0 of 4 stars; one submission).

Conditions:
COL6A2-related disorder.

Allele frequency attached by ClinVar (database versions not stated): gnomAD exomes 0.00002; ExAC 0.00010.
gnomAD v4.1: 30 of 1,589,006 alleles (0.0019%); highest among the groups gnomAD compares: East Asian, 0.018%; no homozygotes.

Submission:

PreventionGenetics, part of Exact Sciences
Classification: Likely benign for COL6A2-related condition. Last evaluated: 2023-12-11. Review status: no assertion criteria provided. Collection method: clinical testing. Allele origin: germline.
Comment: This variant is classified as likely benign based on ACMG/AMP sequence variant interpretation guidelines (Richards et al. 2015 PMID: 25741868, with internal and published modifications).

NM_058174.3(COL6A2):c.2739C>T (p.Thr913=)

Gene: COL6A2 (collagen type VI alpha 2 chain; plus strand). Cytogenetic location: 21q22.3.
Variant type: single nucleotide variant.
Coding change: c.2739C>T on transcript NM_058174.3 (MANE Plus Clinical); coding-DNA position 2739, C replaced by T.
Protein change: p.Thr913=; no amino-acid change (threonine 913 retained).
Molecular consequence: synonymous variant. On other transcripts: 3 prime UTR variant (1), intron variant (1).
Genome position (GRCh38, 1-based): chr21:46,129,473, C>T. VCF-style: chr21-46129473-C-T. GRCh37 (hg19) VCF-style: chr21-47549387-C-T.
Other names: c.*545C>T (NM_058175.3); c.2462-2481C>T (NM_001849.4).
Identifiers: ClinVar variation 3031659 (VCV003031659.2), dbSNP rs770483524, ClinGen allele CA10072846.